The following is an entry in ClinVar:

ClinVar aggregate classification (germline): Likely benign (1 of 4 stars; one submission).

Conditions:
RAD1-related disorder. Also called: RAD1-related condition.

gnomAD v4.1: 12 of 1,613,960 alleles (0.00074%); highest among the groups gnomAD compares: Non-Finnish European, 0.001%; no homozygotes.

Submission:

PreventionGenetics, part of Exact Sciences
Classification: Likely benign for RAD1-related condition. Last evaluated: 2025-10-13. Review status: criteria provided, single submitter. Criteria: ACMG Guidelines, 2015. Collection method: clinical testing. Allele origin: germline.
Comment: This variant is classified as likely benign based on ACMG/AMP sequence variant interpretation guidelines (Richards et al. 2015 PMID: 25741868, with internal and published modifications).

NM_002853.4(RAD1):c.6C>A (p.Pro2=)

Genes: RAD1 (RAD1 checkpoint DNA exonuclease; minus strand), TTC23L (tetratricopeptide repeat domain 23 like; plus strand). Cytogenetic location: 5p13.2.
Variant type: single nucleotide variant.
Coding change: c.6C>A on transcript NM_002853.4 (MANE Select); coding-DNA position 6, C replaced by A.
Protein change: p.Pro2=; no amino-acid change (proline 2 retained).
Molecular consequence: synonymous variant. On other transcripts: non-coding transcript variant (1).
Genome position (GRCh38, 1-based): chr5:34,914,887, G>T on the plus strand (C>A on the coding strand, the complement: RAD1 is on the minus strand). VCF-style: chr5-34914887-G-T. GRCh37 (hg19) VCF-style: chr5-34914992-G-T.
Identifiers: ClinVar variation 4980033 (VCV004980033.1).
Genomic context (GRCh38, chr5:34,914,887, plus strand): 5'-GTCAAGGCTGGCCACAAGGCTGTACTGATCATCCTCGTCTTGGATCTGTTGGGTCAGAAG[G>T]GGCATCGTCCACTGCGCATTCGGCCCCGAGGGATGCTCCTGGGGCCAACAACTTCTCGGC-3'
Protein context (NP_002844.1, residues 1-12): M[Pro2=]LLTQQIQDED